The following is an entry in ClinVar:

ClinVar aggregate classification (germline): Uncertain significance (1 of 4 stars; one submission).

Submission:

Ambry Genetics
Classification: Uncertain significance. Last evaluated: 2026-05-19. Review status: criteria provided, single submitter. Criteria: Ambry Variant Classification Scheme 2023. Collection method: clinical testing. Allele origin: germline.
Comment: The p.G680A variant (also known as c.2039G>C), located in coding exon 9 of the WNK2 gene, results from a G to C substitution at nucleotide position 2039. The glycine at codon 680 is replaced by alanine, an amino acid with similar properties. This amino acid position is conserved. In addition, this alteration is predicted to be tolerated by in silico analysis. Based on the available evidence, the clinical significance of this variant remains unclear.

NM_006648.4(WNK2):c.2039G>C (p.Gly680Ala)

Gene: WNK2 (WNK lysine deficient protein kinase 2; plus strand). Cytogenetic location: 9q22.31.
Variant type: single nucleotide variant.
Coding change: c.2039G>C on transcript NM_006648.4 (MANE Select); coding-DNA position 2039, G replaced by C.
Protein change: p.Gly680Ala; replaces glycine 680 with alanine.
Molecular consequence: missense variant.
Genome position (GRCh38, 1-based): chr9:93,256,303, G>C. VCF-style: chr9-93256303-G-C. GRCh37 (hg19) VCF-style: chr9-96018585-G-C.
Other names: c.2039G>C, p.Gly680Ala (NM_001282394.3); short protein forms G680A.
Identifiers: ClinVar variation 4866684 (VCV004866684.1).